The following is an entry in ClinVar:

ClinVar aggregate classification (germline): Pathogenic/Likely pathogenic. Review status: criteria provided, multiple submitters, no conflicts (2 of 4 stars). 4 submissions from 4 submitters: Pathogenic (1); Likely pathogenic (2). 1 of the submissions does not count toward it. Last evaluated 2025-09-10.

Conditions:
Congenital adrenal insufficiency with 46, XY sex reversal OR 46,XY disorder of sex development-adrenal insufficiency due to CYP11A1 deficiency. Also called: Congenital adrenal insuffiency with 46, XY sex reversal OR 46,XY disorder of sex development-adrenal insufficiency due to CYP11A1 deficiency; P450scc DEFICIENCY. Identifiers: Orphanet 168558, MedGen C3151055, MONDO:0013400, OMIM 613743.
21-Hydroxylase-Deficient Congenital Adrenal Hyperplasia. Also called: ADRENAL HYPERPLASIA, CONGENITAL, DUE TO 21-HYDROXYLASE DEFICIENCY; ADRENAL HYPERPLASIA III. Identifiers: MedGen C2936858, OMIM 201910.

Allele frequency attached by ClinVar (database versions not stated): gnomAD exomes below 0.00001.
gnomAD v4.1: 5 of 1,614,054 alleles (0.00031%); highest among the groups gnomAD compares: Middle Eastern, 0.016%; no homozygotes.

Submissions (5):

Genomic Medicine Center of Excellence, King Faisal Specialist Hospital and Research Centre
Classification: Likely pathogenic for 21-Hydroxylase-Deficient Congenital Adrenal Hyperplasia. Last evaluated: 2025-09-10. Review status: criteria provided, single submitter. Criteria: ACMG Guidelines, 2015. Collection method: clinical testing. Allele origin: germline.

Labcorp Genetics (formerly Invitae), Labcorp
Classification: Likely pathogenic. Last evaluated: 2023-01-31. Review status: criteria provided, single submitter. Criteria: Invitae Variant Classification Sherloc (09022015). Collection method: clinical testing. Allele origin: germline.
Comment: In summary, the currently available evidence indicates that the variant is pathogenic, but additional data are needed to prove that conclusively. Therefore, this variant has been classified as Likely Pathogenic. Studies have shown that this missense change is associated with altered splicing resulting in unknown protein product impact (PMID: 12161514). Experimental studies have shown that this missense change does not substantially affect CYP11A1 function (PMID: 12161514). Advanced modeling of protein sequence and biophysical properties (such as structural, functional, and spatial information, amino acid conservation, physicochemical variation, residue mobility, and thermodynamic stability) performed at Invitae indicates that this missense variant is expected to disrupt CYP11A1 protein function. ClinVar contains an entry for this variant (Variation ID: 17518). This missense change has been observed in individuals with clinical features of CYP11A1-related conditions (PMID: 12161514, 34281122). This variant is not present in population databases (gnomAD no frequency). This sequence change replaces alanine, which is neutral and non-polar, with valine, which is neutral and non-polar, at codon 189 of the CYP11A1 protein (p.Ala189Val).

Fulgent Genetics
Classification: Pathogenic for Congenital adrenal insufficiency with 46, XY sex reversal OR 46,XY disorder of sex development-adrenal insufficiency due to CYP11A1 deficiency. Last evaluated: 2022-05-12. Review status: criteria provided, single submitter. Criteria: ACMG Guidelines, 2015. Collection method: clinical testing. Allele origin: unknown.

OMIM
Classification: Pathogenic for ADRENAL INSUFFICIENCY, CONGENITAL, WITH 46,XY SEX REVERSAL, PARTIAL OR COMPLETE. Last evaluated: 2002-08-01. Review status: no assertion criteria provided. Collection method: literature only. Allele origin: germline. Not counted in ClinVar's aggregate classification.

Dr. Peter K. Rogan Lab, Western University
No classification provided (evidence only). Condition: Glioma susceptibility 1. Review status: no classification provided. Collection method: in vitro. Allele origin: not applicable. Functional consequence: cryptic splice site, retained intron. Not counted in ClinVar's aggregate classification.

Literature cited by the submitters: PubMed 12161514 (cited by Labcorp Genetics (formerly Invitae), Labcorp and OMIM); PubMed 34281122 (cited by Labcorp Genetics (formerly Invitae), Labcorp).

NM_000781.3(CYP11A1):c.566C>T (p.Ala189Val)

Gene: CYP11A1 (cytochrome P450 family 11 subfamily A member 1; minus strand). Cytogenetic location: 15q24.1.
Variant type: single nucleotide variant.
Coding change: c.566C>T on transcript NM_000781.3 (MANE Select); coding-DNA position 566, C replaced by T.
Protein change: p.Ala189Val; replaces alanine 189 with valine.
Molecular consequence: missense variant.
Genome position (GRCh38, 1-based): chr15:74,345,103, G>A on the plus strand (C>T on the coding strand, the complement: CYP11A1 is on the minus strand). VCF-style: chr15-74345103-G-A. GRCh37 (hg19) VCF-style: chr15-74637444-G-A.
Other names: c.92C>T, p.Ala31Val (NM_001099773.2); short protein forms A189V, A31V.
Identifiers: ClinVar variation 17518 (VCV000017518.7), dbSNP rs121912811, ClinGen allele CA127238.
Genomic context (GRCh38, chr15:74,345,103, plus strand): 5'-CACTCAAAGGCAAAGCGGAACAGGTCATCACTGATGTCCCCCGAGTAATTTCCGGAGCCC[G>A]CCTTCTTGATGCGCCTGTGCAGGACACTGACGAAGTCCCGAGACACTGCATCCAACAGGG-3'
Protein context (NP_000772.2, residues 179-199): VSVLHRRIKK[Ala189Val]GSGNYSGDIS